The following is an entry in ClinVar:

NM_001354604.2(MITF):c.1381C>A (p.Leu461Ile)

Gene: MITF (melanocyte inducing transcription factor; plus strand). Cytogenetic location: 3p13.
Variant type: single nucleotide variant.
Coding change: c.1381C>A on transcript NM_001354604.2 (MANE Select); coding-DNA position 1381, C replaced by A.
Protein change: p.Leu461Ile; replaces leucine 461 with isoleucine.
Molecular consequence: missense variant.
Genome position (GRCh38, 1-based): chr3:69,965,048, C>A. VCF-style: chr3-69965048-C-A. GRCh37 (hg19) VCF-style: chr3-70014199-C-A.
Other names: c.1060C>A, p.Leu354Ile (NM_000248.4); c.1207C>A, p.Leu403Ile (NM_001184967.2, NM_001354608.2); c.1378C>A, p.Leu460Ile (NM_001354605.2); c.1360C>A, p.Leu454Ile (NM_001354606.2, NM_006722.3); c.1312C>A, p.Leu438Ile (NM_001354607.2); c.1042C>A, p.Leu348Ile (NM_198158.3); c.1363C>A, p.Leu455Ile (NM_198159.3); c.1315C>A, p.Leu439Ile (NM_198177.3); and 1 more; short protein forms L354I, L455I, L439I, L292I, L348I, L403I, L438I, L454I.
Identifiers: ClinVar variation 226725 (VCV000226725.22), dbSNP rs78962087, ClinGen allele CA2490652.

ClinVar aggregate classification (germline): Benign/Likely benign. Review status: criteria provided, multiple submitters, no conflicts (2 of 4 stars). 9 submissions from 8 submitters: Benign (6); Likely benign (1). 2 of the submissions do not count toward it. Last evaluated 2026-01-16.

Conditions:
Coloboma, osteopetrosis, microphthalmia, macrocephaly, albinism, and deafness (COMMAD). Also called: COMMAD syndrome. Identifiers: Orphanet 603494, MedGen C4310625, MONDO:0015014, OMIM 617306.
Tietz syndrome (TADS). Also called: ALBINISM-DEAFNESS OF TIETZ; HYPOPIGMENTATION/DEAFNESS OF TIETZ; TIETZ ALBINISM-DEAFNESS SYNDROME. Identifiers: Orphanet 42665, MedGen C0391816, MONDO:0007077, OMIM 103500.
Waardenburg syndrome type 2A (WS2A). Also called: WAARDENBURG SYNDROME WITHOUT DYSTOPIA CANTHORUM. Identifiers: Orphanet 3440, MedGen C1860339, MONDO:0008671, OMIM 193510.
Melanoma, cutaneous malignant, susceptibility to, 8. Also called: Cutaneous malignant melanoma 8; MELANOMA AND RENAL CELL CARCINOMA, SUSCEPTIBILITY TO. Identifiers: Orphanet 293822, MedGen C3152204, MONDO:0013759, OMIM 614456.
MITF-related disorder. Also called: MITF-related condition.

Allele frequency attached by ClinVar (database versions not stated): gnomAD 0.00007 and 0.00017; TOPMed 0.00024; gnomAD exomes 0.00033 and 0.00056; ExAC 0.00068; 1000 Genomes Project 0.00120; 1000 Genomes Project 30x 0.00125.
gnomAD v4.1: 493 of 1,614,118 alleles (0.031%); highest among the groups gnomAD compares: East Asian, 1.1%; 5 homozygotes.

Submissions (9):

Labcorp Genetics (formerly Invitae), Labcorp
Classification: Benign for Melanoma, cutaneous malignant, susceptibility to, 8; Waardenburg syndrome type 2A; Tietz syndrome. Last evaluated: 2026-01-16. Review status: criteria provided, single submitter. Criteria: Invitae Variant Classification Sherloc (09022015). Collection method: clinical testing. Allele origin: germline.

Blueprint Genetics
Classification: Likely benign. Last evaluated: 2024-11-08. Review status: criteria provided, single submitter. Criteria: ACMG Guidelines, 2015. Collection method: clinical testing. Allele origin: germline.

Department of Pathology and Laboratory Medicine, Sinai Health System
Classification: Benign for Tietz syndrome; Waardenburg syndrome type 2A; Melanoma, cutaneous malignant, susceptibility to, 8; Coloboma, osteopetrosis, microphthalmia, macrocephaly, albinism, and deafness. Last evaluated: 2021-07-30. Review status: criteria provided, single submitter. Criteria: ACMG Guidelines, 2015. Collection method: research. Allele origin: germline.

GeneDx
Classification: Benign. Last evaluated: 2019-12-12. Review status: criteria provided, single submitter. Criteria: GeneDx Variant Classification Process June 2021. Collection method: clinical testing. Allele origin: germline. Affected: yes.
Comment: This variant is associated with the following publications: (PMID: 29115496)

Illumina Laboratory Services, Illumina
Classification: Benign for Tietz syndrome. Last evaluated: 2018-01-12. Review status: criteria provided, single submitter. Criteria: ICSL Variant Classification Criteria 13 December 2019. Collection method: clinical testing. Allele origin: germline.
Comment: This variant was observed in the ICSL laboratory as part of a predisposition screen in an ostensibly healthy population. It had not been previously curated by ICSL or reported in the Human Gene Mutation Database (HGMD: prior to June 1st, 2018), and was therefore a candidate for classification through an automated scoring system. Utilizing variant allele frequency, disease prevalence and penetrance estimates, and inheritance mode, an automated score was calculated to assess if this variant is too frequent to cause the disease. Based on the score and internal cut-off values, a variant classified as benign is not then subjected to further curation. The score for this variant resulted in a classification of benign for this disease.

Illumina Laboratory Services, Illumina
Classification: Benign for Waardenburg syndrome type 2A. Last evaluated: 2018-01-12. Review status: criteria provided, single submitter. Criteria: ICSL Variant Classification Criteria 13 December 2019. Collection method: clinical testing. Allele origin: germline.
Comment: the same text as in the submission from Illumina Laboratory Services, Illumina above.

Laboratory for Molecular Medicine, Mass General Brigham Personalized Medicine
Classification: Benign. Last evaluated: 2015-11-12. Review status: criteria provided, single submitter. Criteria: LMM Criteria. Collection method: clinical testing. Allele origin: germline. Observed: 1 variant allele.
Comment: p.Leu455Ile in exon 10 of MITF: This variant is not expected to have clinical si gnificance because it has been identified in 0.95% (82/8642) of East Asian chrom osomes by the Exome Aggregation Consortium (ExAC ; dbSNP rs78962087).

Genetic Services Laboratory, University of Chicago
Classification: Benign. Last evaluated: 2022-05-06. Review status: no assertion criteria provided. Collection method: clinical testing. Allele origin: germline. Affected: no. Not counted in ClinVar's aggregate classification.

PreventionGenetics, part of Exact Sciences
Classification: Benign for MITF-related condition. Last evaluated: 2020-07-09. Review status: no assertion criteria provided. Collection method: clinical testing. Allele origin: germline. Not counted in ClinVar's aggregate classification.
Comment: This variant is classified as benign based on ACMG/AMP sequence variant interpretation guidelines (Richards et al. 2015 PMID: 25741868, with internal and published modifications).